The following is an entry in ClinVar:

ClinVar aggregate classification (germline): Likely benign (1 of 4 stars; one submission).

Submission:

CeGaT Center for Human Genetics Tuebingen
Classification: Likely benign. Last evaluated: 2026-03-01. Review status: criteria provided, single submitter. Criteria: CeGaT Center For Human Genetics Tuebingen Variant Classification Criteria Version 2. Collection method: clinical testing. Allele origin: germline. Affected: yes. Observed: 1 variant allele.
Comment: SLC45A1: BP4, BP7

NM_001080397.3(SLC45A1):c.270C>T (p.Asn90=)

Gene: SLC45A1 (solute carrier family 45 member 1; plus strand). Cytogenetic location: 1p36.23.
Variant type: single nucleotide variant.
Coding change: c.270C>T on transcript NM_001080397.3 (MANE Select); coding-DNA position 270, C replaced by T.
Protein change: p.Asn90=; no amino-acid change (asparagine 90 retained).
Molecular consequence: synonymous variant. On other transcripts: intron variant (2).
Genome position (GRCh38, 1-based): chr1:8,324,599, C>T. VCF-style: chr1-8324599-C-T. GRCh37 (hg19) VCF-style: chr1-8384659-C-T.
Other names: c.270C>T, p.Asn90= (NM_001379614.1, NM_001379615.1, NM_001379616.1); c.-116-1219C>T (NM_001379617.1, NM_001379618.1).
Identifiers: ClinVar variation 4821824 (VCV004821824.4).